The following is an entry in ClinVar:

ClinVar aggregate classification (germline): Pathogenic (1 of 4 stars; one submission).

Conditions:
Malan overgrowth syndrome (MALNS). Also called: NFIX-Related Malan Syndrome; Sotos syndrome 2; MALAN SYNDROME. Identifiers: Orphanet 420179, MedGen C3553660, MONDO:0013885, OMIM 614753.

Submission:

Broad Center for Mendelian Genomics, Broad Institute of MIT and Harvard
Classification: Pathogenic for Malan overgrowth syndrome. Last evaluated: 2023-01-24. Review status: criteria provided, single submitter. Criteria: ACMG Guidelines, 2015. Collection method: curation. Allele origin: germline. Inheritance: Autosomal dominant inheritance.
Comment: Trio exome analysis showed this variant to be de novo. The p.Lys138fs variant in NFIX has not been previously reported in individuals with Malan syndrome. This variant was absent from large population studies. This variant is predicted to cause a frameshift, which alters the protein‚Äôs amino acid sequence beginning at position 138 and leads to a premature termination codon 73 amino acids downstream. This alteration is then predicted to lead to a truncated or absent protein. Heterozygous loss of function of the NFIX gene is an established disease mechanism in Malan syndrome. In summary, this variant meets criteria to be classified as pathogenic for autosomal dominant Malan syndrome. ACMG/AMP Criteria applied: PVS1, PS2, PM2_Supporting (Richards 2015).

NM_001365902.3(NFIX):c.413del (p.Lys138fs)

Gene: NFIX (nuclear factor I X; plus strand). Cytogenetic location: 19p13.13.
Variant type: Deletion.
Coding change: c.413del on transcript NM_001365902.3 (MANE Select); coding-DNA position 413, one base deleted (A; older notation c.413delA).
Protein change: p.Lys138fs; shifts the reading frame from lysine 138.
Molecular consequence: frameshift variant.
Genome position (GRCh38, 1-based): chr19:13,025,406, A deleted; the last of 2 consecutive A bases (chr19:13,025,405-13,025,406); deleting either gives the same sequence. VCF-style (leftmost placement, unchanged base first): chr19-13025404-TA-T. GRCh37 (hg19) VCF-style: chr19-13136218-TA-T.
Other names: NM_001378405.1:c.461del; c.437del, p.Lys146fs (NM_001271043.2); c.389del, p.Lys130fs (NM_001271044.3, NM_001378404.1); c.413del, p.Lys138fs (NM_001365982.2, NM_002501.4); c.272del, p.Lys91fs (NM_001365983.2); c.410del, p.Lys137fs (NM_001365984.2, NM_001365985.2); c.461del, p.Lys154fs (NM_001378405.1); short protein forms K130fs, K137fs, K146fs, K138fs, K154fs, K91fs.
Identifiers: ClinVar variation 2412678 (VCV002412678.1), dbSNP rs2512746397, ClinGen allele CA2573320664.
Genomic context (GRCh38, chr19:13,025,404, plus strand): 5'-TGACTGCCTGCGCCAGGCTGACAAGGTGTGGCGGCTGGACCTGGTCATGGTGATTTTGTT[TA>T]AGGGGATCCCCCTGGAAAGTACTGATGGGGAGCGGCTCTACAAGTCGCCTCAGTGCTCGA-3'